The following is an entry in ClinVar:

ClinVar aggregate classification (germline): Uncertain significance (1 of 4 stars; one submission).

Allele frequency attached by ClinVar (database versions not stated): gnomAD exomes below 0.00001; TOPMed below 0.00001.
gnomAD v4.1: 4 of 1,487,364 alleles (0.00027%); highest among the groups gnomAD compares: South Asian, 0.0014%; no homozygotes.

Submission:

Labcorp Genetics (formerly Invitae), Labcorp
Classification: Uncertain significance. Last evaluated: 2023-12-01. Review status: criteria provided, single submitter. Criteria: Invitae Variant Classification Sherloc (09022015). Collection method: clinical testing. Allele origin: germline.
Comment: This sequence change replaces proline, which is neutral and non-polar, with leucine, which is neutral and non-polar, at codon 361 of the CDK13 protein (p.Pro361Leu). The frequency data for this variant in the population databases is considered unreliable, as metrics indicate poor data quality at this position in the gnomAD database. This variant has not been reported in the literature in individuals affected with CDK13-related conditions. Advanced modeling of protein sequence and biophysical properties (such as structural, functional, and spatial information, amino acid conservation, physicochemical variation, residue mobility, and thermodynamic stability) performed at Invitae indicates that this missense variant is expected to disrupt CDK13 protein function with a positive predictive value of 80%. In summary, the available evidence is currently insufficient to determine the role of this variant in disease. Therefore, it has been classified as a Variant of Uncertain Significance.

NM_003718.5(CDK13):c.1082C>T (p.Pro361Leu)

Gene: CDK13 (cyclin dependent kinase 13; plus strand). Cytogenetic location: 7p14.1.
Variant type: single nucleotide variant.
Coding change: c.1082C>T on transcript NM_003718.5 (MANE Select); coding-DNA position 1082, C replaced by T.
Protein change: p.Pro361Leu; replaces proline 361 with leucine.
Molecular consequence: missense variant.
Genome position (GRCh38, 1-based): chr7:39,951,723, C>T. VCF-style: chr7-39951723-C-T. GRCh37 (hg19) VCF-style: chr7-39991322-C-T.
Other names: c.1082C>T, p.Pro361Leu (NM_031267.4); short protein forms P361L.
Identifiers: ClinVar variation 2868382 (VCV002868382.3), dbSNP rs919868121, ClinGen allele CA157707236.